The following is an entry in ClinVar:

NM_145166.4(ZBTB47):c.2243A>G (p.Ter748Trp)

Gene: ZBTB47 (zinc finger and BTB domain containing 47; plus strand). Cytogenetic location: 3p22.1.
Variant type: single nucleotide variant.
Coding change: c.2243A>G on transcript NM_145166.4 (MANE Select); coding-DNA position 2243, A replaced by G.
Protein change: p.Ter748Trp.
Molecular consequence: stop lost.
Genome position (GRCh38, 1-based): chr3:42,664,597, A>G. VCF-style: chr3-42664597-A-G. GRCh37 (hg19) VCF-style: chr3-42706089-A-G.
Other names: c.2327A>G, p.Ter776Trp (NM_001410746.1).
Identifiers: ClinVar variation 3367933 (VCV003367933.1).

ClinVar aggregate classification (germline): Uncertain significance (1 of 4 stars; one submission).

Submission:

GeneDx
Classification: Uncertain significance. Last evaluated: 2024-01-17. Review status: criteria provided, single submitter. Criteria: GeneDx Variant Classification Process June 2021. Collection method: clinical testing. Allele origin: germline. Affected: yes.
Comment: Stop codon loss and change to a tryptophan codon, leading to protein extension and the addition of 76 amino acids at the C-terminus; Not observed at significant frequency in large population cohorts (gnomAD); Has not been previously published as pathogenic or benign to our knowledge